The following is an entry in ClinVar:

NM_015386.3(COG4):c.1748G>A (p.Gly583Glu)

Gene: COG4 (component of oligomeric golgi complex 4; minus strand). Cytogenetic location: 16q22.1.
Variant type: single nucleotide variant.
Coding change: c.1748G>A on transcript NM_015386.3 (MANE Select); coding-DNA position 1748, G replaced by A.
Protein change: p.Gly583Glu; replaces glycine 583 with glutamic acid.
Molecular consequence: missense variant. On other transcripts: non-coding transcript variant (1).
Genome position (GRCh38, 1-based): chr16:70,483,932, C>T on the plus strand (G>A on the coding strand, the complement: COG4 is on the minus strand). VCF-style: chr16-70483932-C-T. GRCh37 (hg19) VCF-style: chr16-70517835-C-T.
Other names: c.1673G>A, p.Gly558Glu (NM_001195139.2); c.1322G>A, p.Gly441Glu (NM_001365426.1); short protein forms G441E, G558E, G583E.
Identifiers: ClinVar variation 4755940 (VCV004755940.1).

ClinVar aggregate classification (germline): Uncertain significance (1 of 4 stars; one submission).

gnomAD v4.1: 20 of 1,613,088 alleles (0.0012%); highest among the groups gnomAD compares: Admixed American, 0.0083%; no homozygotes.

Submission:

GeneDx
Classification: Uncertain significance. Last evaluated: 2025-08-05. Review status: criteria provided, single submitter. Criteria: GeneDx Variant Classification Process June 2021. Collection method: clinical testing. Allele origin: germline. Affected: yes.
Comment: Not observed at significant frequency in large population cohorts (gnomAD); In silico analysis suggests that this missense variant does not alter protein structure/function; Has not been previously published as pathogenic or benign to our knowledge